The following is an entry in ClinVar:

NM_001943.5(DSG2):c.527C>T (p.Thr176Ile)

Gene: DSG2 (desmoglein 2; plus strand). Cytogenetic location: 18q12.1.
Variant type: single nucleotide variant.
Coding change: c.527C>T on transcript NM_001943.5 (MANE Select); coding-DNA position 527, C replaced by T.
Protein change: p.Thr176Ile; replaces threonine 176 with isoleucine.
Molecular consequence: missense variant.
Genome position (GRCh38, 1-based): chr18:31,522,086, C>T. VCF-style: chr18-31522086-C-T. GRCh37 (hg19) VCF-style: chr18-29102049-C-T.
Other names: c.527C>T (LRG_397t1); short protein forms T176I.
Identifiers: ClinVar variation 417865 (VCV000417865.12), dbSNP rs536617217, ClinGen allele CA049345.

ClinVar aggregate classification (germline): Uncertain significance. Review status: criteria provided, multiple submitters, no conflicts (2 of 4 stars). 5 submissions from 5 submitters: Uncertain significance (4). 1 of the submissions does not count toward it. Last evaluated 2025-03-30.

Conditions:
Arrhythmogenic right ventricular dysplasia 10. Also called: Arrhythmogenic right ventricular dysplasia/cardiomyopathy, type 10; Arrhythmogenic Right Ventricular Dysplasia/Cardiomyopathy10; ARRHYTHMOGENIC RIGHT VENTRICULAR DYSPLASIA, FAMILIAL, 10. Identifiers: MedGen C1857777, MONDO:0012434, OMIM 610193.
Dilated cardiomyopathy 1BB (CMD1BB). Also called: CARDIOMYOPATHY, DILATED, 1BB, SUSCEPTIBILITY TO. Identifiers: Orphanet 154, MedGen C2752072, MONDO:0013030, OMIM 612877.
Arrhythmogenic right ventricular cardiomyopathy (ARVD). Also called: Cardiomyopathy, ARVC; Arrhythmogenic right ventricular dysplasia; Arrhythmogenic cardiomyopathy; Arrhythmogenic Right Ventricular Cardiomyopathy (ARVC). Identifiers: Orphanet 247, MedGen C0349788, MeSH D019571, MONDO:0016587. Disease mechanism: loss of function. Inheritance: Various modes of inheritance.
Cardiomyopathy (CMYO). Also called: Cardiomyopathies. Identifiers: Orphanet 167848, MedGen C0878544, MONDO:0004994, HP:0001638. Inheritance: Various modes of inheritance.

Allele frequency attached by ClinVar (database versions not stated): gnomAD exomes 0.00001; TOPMed 0.00001; ExAC 0.00002; gnomAD 0.00002 and 0.00003; 1000 Genomes Project 30x 0.00016; 1000 Genomes Project 0.00020.
gnomAD v4.1: 14 of 1,613,510 alleles (0.00087%); highest among the groups gnomAD compares: Non-Finnish European, 0.0012%; no homozygotes.

Submissions (5):

Labcorp Genetics (formerly Invitae), Labcorp
Classification: Uncertain significance for Arrhythmogenic right ventricular dysplasia 10. Last evaluated: 2025-03-30. Review status: criteria provided, single submitter. Criteria: Invitae Variant Classification Sherloc (09022015). Collection method: clinical testing. Allele origin: germline.
Comment: This sequence change replaces threonine, which is neutral and polar, with isoleucine, which is neutral and non-polar, at codon 176 of the DSG2 protein (p.Thr176Ile). This variant is present in population databases (rs536617217, gnomAD 0.003%). This variant has not been reported in the literature in individuals affected with DSG2-related conditions. ClinVar contains an entry for this variant (Variation ID: 417865). Invitae Evidence Modeling of protein sequence and biophysical properties (such as structural, functional, and spatial information, amino acid conservation, physicochemical variation, residue mobility, and thermodynamic stability) has been performed for this missense variant. However, the output from this modeling did not meet the statistical confidence thresholds required to predict the impact of this variant on DSG2 protein function. In summary, the available evidence is currently insufficient to determine the role of this variant in disease. Therefore, it has been classified as a Variant of Uncertain Significance.

All of Us Research Program, National Institutes of Health
Classification: Uncertain significance for Arrhythmogenic right ventricular cardiomyopathy. Last evaluated: 2024-04-16. Review status: criteria provided, single submitter. Criteria: ACMG Guidelines, 2015. Collection method: clinical testing. Allele origin: germline. Inheritance: Autosomal dominant inheritance. Observed: 1 variant allele, 1 heterozygote.
Comment: This missense variant replaces threonine with isoleucine at codon 176 of the DSG2 protein. Computational prediction is inconclusive regarding the impact of this variant on protein structure and function (internally defined REVEL score threshold 0.5 < inconclusive < 0.7, PMID: 27666373). To our knowledge, functional studies have not been reported for this variant. This variant has been reported in a family affected with arrhythmogenic cardiomyopathy and has been shown not to segregate with disease in this family (PMID: 31156706). This variant has been identified in 4/280698 chromosomes in the general population by the Genome Aggregation Database (gnomAD). The available evidence is insufficient to determine the role of this variant in disease conclusively. Therefore, this variant is classified as a Variant of Uncertain Significance.

This study involves interpretation of variants in research participants for the purpose of population health screening. Participant phenotype was not available at the time of variant classification. Additional details can be found in publication PMID: 35346344, PMCID: PMC8962531

Color Diagnostics, LLC DBA Color Health
Classification: Uncertain significance for Cardiomyopathy. Last evaluated: 2024-03-26. Review status: criteria provided, single submitter. Criteria: ACMG Guidelines, 2015. Collection method: clinical testing. Allele origin: germline.
Comment: This missense variant replaces threonine with isoleucine at codon 176 of the DSG2 protein. Computational prediction is inconclusive regarding the impact of this variant on protein structure and function. To our knowledge, functional studies have not been reported for this variant. This variant has been reported in a family affected with arrhythmogenic cardiomyopathy and has been shown not to segregate with disease in this family (PMID: 31156706). This variant has been identified in 4/280698 chromosomes in the general population by the Genome Aggregation Database (gnomAD). The available evidence is insufficient to determine the role of this variant in disease conclusively. Therefore, this variant is classified as a Variant of Uncertain Significance.

GeneDx
Classification: Uncertain significance. Last evaluated: 2023-01-03. Review status: criteria provided, single submitter. Criteria: GeneDx Variant Classification Process June 2021. Collection method: clinical testing. Allele origin: germline. Affected: yes.
Comment: Reported in an individual with ACM who also harbored a pathogenic nonsense variant in the PKP2 gene; the PKP2 variant segregated with disease in this family (Campuzano et al., 2019); Not observed at significant frequency in large population cohorts (gnomAD); In silico analysis supports that this missense variant has a deleterious effect on protein structure/function; This variant is associated with the following publications: (PMID: 32268277, 31156706)

Division of Human Genetics, Children's Hospital of Philadelphia
Classification: Uncertain significance for Arrhythmogenic right ventricular dysplasia 10; Dilated cardiomyopathy 1BB. Last evaluated: 2016-01-25. Review status: no assertion criteria provided. Collection method: research. Allele origin: paternal. Affected: yes. Study: CSER-PediSeq. Not counted in ClinVar's aggregate classification.

Literature cited by the submitters: PubMed 31156706 (cited by All of Us Research Program, National Institutes of Health and Color Diagnostics, LLC DBA Color Health).